The following is an entry in ClinVar:

NM_000051.4(ATM):c.2086G>A (p.Gly696Arg)

Gene: ATM (ATM serine/threonine kinase; plus strand). Cytogenetic location: 11q22.3.
Variant type: single nucleotide variant.
Coding change: c.2086G>A on transcript NM_000051.4 (MANE Select); coding-DNA position 2086, G replaced by A.
Protein change: p.Gly696Arg; replaces glycine 696 with arginine.
Molecular consequence: missense variant.
Genome position (GRCh38, 1-based): chr11:108,254,001, G>A. VCF-style: chr11-108254001-G-A. GRCh37 (hg19) VCF-style: chr11-108124728-G-A.
Other names: c.2086G>A, p.Gly696Arg (NM_001351834.2); short protein forms G696R.
Identifiers: ClinVar variation 246250 (VCV000246250.7), dbSNP rs879254178, ClinGen allele CA10584328.

ClinVar aggregate classification (germline): Uncertain significance. Review status: criteria provided, multiple submitters, no conflicts (2 of 4 stars). 3 submissions from 3 submitters: Uncertain significance (3). Last evaluated 2025-03-06.

Conditions:
Hereditary cancer-predisposing syndrome. Also called: Neoplastic Syndromes, Hereditary; Tumor predisposition; Hereditary neoplastic syndrome; Hereditary Cancer Syndrome. Identifiers: Orphanet 140162, MedGen C0027672, MeSH D009386, MONDO:0015356.
Ataxia-telangiectasia syndrome (AT). Also called: Cerebello-oculocutaneous telangiectasia; Immunodeficiency with ataxia telangiectasia; Ataxia-telangiectasia; Ataxia telangiectasia (A-T); LOUIS-BAR SYNDROME; Ataxia-telangiectasia, complementation group D. Identifiers: Orphanet 100, MedGen C0004135, MONDO:0008840, OMIM 208900.

Submissions (3):

Ambry Genetics
Classification: Uncertain significance for Hereditary cancer-predisposing syndrome. Last evaluated: 2025-03-06. Review status: criteria provided, single submitter. Criteria: Ambry Variant Classification Scheme 2023. Collection method: clinical testing. Allele origin: germline.
Comment: The p.G696R variant (also known as c.2086G>A), located in coding exon 12 of the ATM gene, results from a G to A substitution at nucleotide position 2086. The glycine at codon 696 is replaced by arginine, an amino acid with dissimilar properties. This amino acid position is not well conserved in available vertebrate species. In addition, this alteration is predicted to be tolerated by in silico analysis. Based on the available evidence, the clinical significance of this variant remains unclear.

GeneDx
Classification: Uncertain significance. Last evaluated: 2024-05-28. Review status: criteria provided, single submitter. Criteria: GeneDx Variant Classification Process June 2021. Collection method: clinical testing. Allele origin: germline. Affected: yes.
Comment: Not observed at significant frequency in large population cohorts (gnomAD); In silico analysis indicates that this missense variant does not alter protein structure/function; Has not been previously published as pathogenic or benign to our knowledge

Labcorp Genetics (formerly Invitae), Labcorp
Classification: Uncertain significance for Ataxia-telangiectasia syndrome. Last evaluated: 2023-11-13. Review status: criteria provided, single submitter. Criteria: Invitae Variant Classification Sherloc (09022015). Collection method: clinical testing. Allele origin: germline.
Comment: This sequence change replaces glycine, which is neutral and non-polar, with arginine, which is basic and polar, at codon 696 of the ATM protein (p.Gly696Arg). This variant is not present in population databases (gnomAD no frequency). This variant has not been reported in the literature in individuals affected with ATM-related conditions. ClinVar contains an entry for this variant (Variation ID: 246250). Algorithms developed to predict the effect of missense changes on protein structure and function output the following: SIFT: "Not Available"; PolyPhen-2: "Benign"; Align-GVGD: "Not Available". The arginine amino acid residue is found in multiple mammalian species, which suggests that this missense change does not adversely affect protein function. In summary, the available evidence is currently insufficient to determine the role of this variant in disease. Therefore, it has been classified as a Variant of Uncertain Significance.